The following is an entry in ClinVar:

NM_000053.4(ATP7B):c.1035C>T (p.Ser345=)

Gene: ATP7B (ATPase copper transporting beta; minus strand). Cytogenetic location: 13q14.3.
Variant type: single nucleotide variant.
Coding change: c.1035C>T on transcript NM_000053.4 (MANE Select); coding-DNA position 1035, C replaced by T.
Protein change: p.Ser345=; no amino-acid change (serine 345 retained).
Molecular consequence: synonymous variant. On other transcripts: intron variant (2).
Genome position (GRCh38, 1-based): chr13:51,974,185, G>A on the plus strand (C>T on the coding strand, the complement: ATP7B is on the minus strand). VCF-style: chr13-51974185-G-A. GRCh37 (hg19) VCF-style: chr13-52548321-G-A.
Other names: c.1035C>T, p.Ser345= (NM_001406535.1, NM_001406537.1, NM_001406538.1 and 29 more transcripts); c.939C>T, p.Ser313= (NM_001406536.1, NM_001406543.1, NM_001406544.1 and 3 more transcripts); c.803-101C>T (NM_001243182.2); c.707-101C>T (NM_001406539.1).
Identifiers: ClinVar variation 3385731 (VCV003385731.1).

ClinVar aggregate classification (germline): Likely benign (1 of 4 stars; one submission).

Conditions:
Wilson disease (WND). Also called: Wilson's disease. Identifiers: Orphanet 905, MedGen C0019202, MONDO:0010200, OMIM 277900. Disease mechanism: loss of function.

gnomAD v4.1: 9 of 1,492,868 alleles (0.0006%); highest among the groups gnomAD compares: Non-Finnish European, 0.00045%; no homozygotes.

Submission:

All of Us Research Program, National Institutes of Health
Classification: Likely benign for Wilson disease. Last evaluated: 2024-06-09. Review status: criteria provided, single submitter. Criteria: ACMG Guidelines, 2015. Collection method: clinical testing. Allele origin: germline. Inheritance: Autosomal recessive inheritance. Observed: 1 variant allele, 1 heterozygote.
Comment: This study involves interpretation of variants in research participants for the purpose of population health screening. Participant phenotype was not available at the time of variant classification. Additional details can be found in publication PMID: 35346344, PMCID: PMC8962531